The following is an entry in ClinVar:

ClinVar aggregate classification (germline): Conflicting classifications of pathogenicity. Review status: criteria provided, conflicting classifications (1 of 4 stars). 3 submissions from 3 submitters: Uncertain significance (1); Likely benign (2). Last evaluated 2025-12-02.

Conditions:
Mitochondrial complex I deficiency, nuclear type 1. Also called: NADH-COENZYME Q REDUCTASE DEFICIENCY; MITOCHONDRIAL NADH DEHYDROGENASE COMPONENT OF COMPLEX I, DEFICIENCY OF. Identifiers: MedGen C6022305, MONDO:0100224, OMIM 252010.

Allele frequency attached by ClinVar (database versions not stated): ExAC 0.00012; gnomAD exomes 0.00013 and 0.00027; gnomAD 0.00015 and 0.00018; TOPMed 0.00020; ESP Exome Variant Server 0.00031.
gnomAD v4.1: 229 of 1,614,048 alleles (0.014%); highest among the groups gnomAD compares: Admixed American, 0.025%; 2 homozygotes.

Submissions (3):

Labcorp Genetics (formerly Invitae), Labcorp
Classification: Likely benign. Last evaluated: 2025-12-02. Review status: criteria provided, single submitter. Criteria: Invitae Variant Classification Sherloc (09022015). Collection method: clinical testing. Allele origin: germline.

GeneDx
Classification: Likely benign. Last evaluated: 2018-04-02. Review status: criteria provided, single submitter. Criteria: GeneDx Variant Classification (06012015). Collection method: clinical testing. Allele origin: germline. Affected: yes.
Comment: This variant is considered likely benign or benign based on one or more of the following criteria: it is a conservative change, it occurs at a poorly conserved position in the protein, it is predicted to be benign by multiple in silico algorithms, and/or has population frequency not consistent with disease.

Illumina Laboratory Services, Illumina
Classification: Uncertain significance for Mitochondrial complex I deficiency, nuclear type 1. Last evaluated: 2018-01-12. Review status: criteria provided, single submitter. Criteria: ICSL Variant Classification Criteria 13 December 2019. Collection method: clinical testing. Allele origin: germline.

NM_001377299.1(NDUFS2):c.1354+10C>A

Gene: NDUFS2 (NADH:ubiquinone oxidoreductase core subunit S2; plus strand). Cytogenetic location: 1q23.3.
Variant type: single nucleotide variant.
Coding change: c.1354+10C>A on transcript NM_001377299.1 (MANE Select); 10 bases into the intron after coding-DNA position 1354, C replaced by A.
Molecular consequence: intron variant. On other transcripts: missense variant (4), non-coding transcript variant (1).
Genome position (GRCh38, 1-based): chr1:161,213,931, C>A. VCF-style: chr1-161213931-C-A. GRCh37 (hg19) VCF-style: chr1-161183721-C-A.
Other names: c.1364C>A, p.Pro455His (NM_001166159.2, NM_001377300.1, NM_001377301.1 and 1 more transcripts); c.1354+10C>A (NM_001377298.1, NM_004550.5); short protein forms P455H.
Identifiers: ClinVar variation 293282 (VCV000293282.12), dbSNP rs201275792, ClinGen allele CA1208856.